The following is an entry in ClinVar:

ClinVar aggregate classification (germline): Uncertain significance (1 of 4 stars; one submission).

Submission:

Ambry Genetics
Classification: Uncertain significance. Last evaluated: 2024-11-10. Review status: criteria provided, single submitter. Criteria: Ambry Variant Classification Scheme 2023. Collection method: clinical testing. Allele origin: germline.
Comment: The p.M1121V variant (also known as c.3361A>G), located in coding exon 2 of the MLH3 gene, results from an A to G substitution at nucleotide position 3361. The methionine at codon 1121 is replaced by valine, an amino acid with highly similar properties. This amino acid position is conserved. In addition, this alteration is predicted to be tolerated by in silico analysis. Based on the available evidence, the clinical significance of this variant remains unclear.

NM_001040108.2(MLH3):c.3361A>G (p.Met1121Val)

Gene: MLH3 (mutL homolog 3; minus strand). Cytogenetic location: 14q24.3.
Variant type: single nucleotide variant.
Coding change: c.3361A>G on transcript NM_001040108.2 (MANE Select); coding-DNA position 3361, A replaced by G.
Protein change: p.Met1121Val; replaces methionine 1121 with valine.
Molecular consequence: missense variant.
Genome position (GRCh38, 1-based): chr14:75,042,397, T>C on the plus strand (A>G on the coding strand, the complement: MLH3 is on the minus strand). VCF-style: chr14-75042397-T-C. GRCh37 (hg19) VCF-style: chr14-75509100-T-C.
Other names: c.3361A>G, p.Met1121Val (NM_014381.3); short protein forms M1121V.
Identifiers: ClinVar variation 3396765 (VCV003396765.1).